The following is an entry in ClinVar:

ClinVar aggregate classification (germline): Uncertain significance. Review status: criteria provided, multiple submitters, no conflicts (2 of 4 stars). 2 submissions from 2 submitters: Uncertain significance (2). Last evaluated 2024-07-16.

Conditions:
Inborn genetic diseases. Identifiers: MedGen C0950123, MeSH D030342.

Allele frequency attached by ClinVar (database versions not stated): gnomAD 0.00001; gnomAD exomes 0.00002; TOPMed 0.00002.
gnomAD v4.1: 36 of 1,613,480 alleles (0.0022%); highest among the groups gnomAD compares: Admixed American, 0.012%; no homozygotes.

Submissions (2):

Ambry Genetics
Classification: Uncertain significance for Inborn genetic diseases. Last evaluated: 2024-07-16. Review status: criteria provided, single submitter. Criteria: Ambry Variant Classification Scheme 2023. Collection method: clinical testing. Allele origin: germline.

GeneDx
Classification: Uncertain significance. Last evaluated: 2022-11-17. Review status: criteria provided, single submitter. Criteria: GeneDx Variant Classification Process June 2021. Collection method: clinical testing. Allele origin: germline. Affected: yes.
Comment: Identified as heterozygous in a fetus with family history of a bleeding disorder; the fetus also harbored additional non-diagnostic variants in the ABCG5 and MPL genes (Almubarak et al., 2022); In silico analysis supports that this missense variant does not alter protein structure/function; This variant is associated with the following publications: (PMID: 36360262)

NM_001379081.2(FREM1):c.987A>T (p.Lys329Asn)

Gene: FREM1 (FRAS1 related extracellular matrix 1; minus strand). Cytogenetic location: 9p22.3.
Variant type: single nucleotide variant.
Coding change: c.987A>T on transcript NM_001379081.2 (MANE Select); coding-DNA position 987, A replaced by T.
Protein change: p.Lys329Asn; replaces lysine 329 with asparagine.
Molecular consequence: missense variant. On other transcripts: non-coding transcript variant (4).
Genome position (GRCh38, 1-based): chr9:14,851,449, T>A on the plus strand (A>T on the coding strand, the complement: FREM1 is on the minus strand). VCF-style: chr9-14851449-T-A. GRCh37 (hg19) VCF-style: chr9-14851447-T-A.
Other names: c.1014A>T, p.Lys338Asn (NM_001370060.1); c.987A>T, p.Lys329Asn (NM_001370063.1, NM_001370065.1, NM_144966.7); short protein forms K329N, K338N.
Identifiers: ClinVar variation 2502732 (VCV002502732.2), dbSNP rs1279719299, ClinGen allele CA372962140.